The following is an entry in ClinVar:

NM_017780.4(CHD7):c.1405A>G (p.Arg469Gly)

Gene: CHD7 (chromodomain helicase DNA binding protein 7; plus strand). Cytogenetic location: 8q12.2.
Variant type: single nucleotide variant.
Coding change: c.1405A>G on transcript NM_017780.4 (MANE Select); coding-DNA position 1405, A replaced by G.
Protein change: p.Arg469Gly; replaces arginine 469 with glycine.
Molecular consequence: missense variant.
Genome position (GRCh38, 1-based): chr8:60,742,837, A>G. VCF-style: chr8-60742837-A-G. GRCh37 (hg19) VCF-style: chr8-61655396-A-G.
Other names: c.1405A>G, p.Arg469Gly (NM_001316690.1); short protein forms R469G.
Identifiers: ClinVar variation 932019 (VCV000932019.15), dbSNP rs868107005, ClinGen allele CA177313512.

ClinVar aggregate classification (germline): Conflicting classifications of pathogenicity. Review status: criteria provided, conflicting classifications (1 of 4 stars). 4 submissions from 4 submitters: Uncertain significance (2); Benign (1); Likely benign (1). Last evaluated 2026-04-08.

Conditions:
CHD7-related disorder. Also called: CHD7-related condition.
CHARGE syndrome (CHARGE). Also called: Hittner Hirsch Kreh syndrome; Coloboma, heart anomaly, choanal atresia, retardation, genital and ear anomalies; CHARGE association; Hall-Hittner syndrome; CHARGE ASSOCIATION--COLOBOMA, HEART ANOMALY, CHOANAL ATRESIA, RETARDATION, GENITAL AND EAR ANOMALIES. Identifiers: Orphanet 138, MedGen C0265354, MONDO:0008965.

Allele frequency attached by ClinVar (database versions not stated): TOPMed below 0.00001; gnomAD exomes 0.00002.
gnomAD v4.1: 29 of 1,613,458 alleles (0.0018%); highest among the groups gnomAD compares: Middle Eastern, 0.43%; 2 homozygotes.

Submissions (4):

PreventionGenetics, part of Exact Sciences
Classification: Uncertain significance for CHD7-related condition. Last evaluated: 2026-04-08. Review status: criteria provided, single submitter. Criteria: ACMG Guidelines, 2015. Collection method: clinical testing. Allele origin: germline.
Comment: The CHD7 c.1405A>G variant is predicted to result in the amino acid substitution p.Arg469Gly. This variant has been reported in an individual with CHARGE syndrome (Galvez-Ruiz et al 2020. PubMed ID: 34527879). This variant is reported in 0.011% of alleles in individuals of African descent in gnomAD. At this time, the clinical significance of this variant is uncertain due to the absence of conclusive functional and genetic evidence.

Labcorp Genetics (formerly Invitae), Labcorp
Classification: Benign for CHARGE syndrome. Last evaluated: 2025-06-14. Review status: criteria provided, single submitter. Criteria: Invitae Variant Classification Sherloc (09022015). Collection method: clinical testing. Allele origin: germline.

GeneDx
Classification: Likely benign. Last evaluated: 2019-10-16. Review status: criteria provided, single submitter. Criteria: GeneDx Variant Classification Process June 2021. Collection method: clinical testing. Allele origin: germline. Affected: yes.
Comment: See Variant Classification Assertion Criteria.

Centre for Mendelian Genomics, University Medical Centre Ljubljana
Classification: Uncertain significance for CHD7-related CHARGE syndrome. Last evaluated: 2019-03-24. Review status: criteria provided, single submitter. Criteria: ACMG Guidelines, 2015. Collection method: clinical testing. Allele origin: unknown. Affected: yes.
Comment: This variant was classified as: Uncertain significance. The available evidence on this variant's pathogenicity is insufficient or conflicting. The following ACMG criteria were applied in classifying this variant: PM2.